The following is an entry in ClinVar:

ClinVar aggregate classification (germline): Uncertain significance (1 of 4 stars; one submission).

Conditions:
Inborn genetic diseases. Identifiers: MedGen C0950123, MeSH D030342.

Submission:

Ambry Genetics
Classification: Uncertain significance for Inborn genetic diseases. Last evaluated: 2022-09-24. Review status: criteria provided, single submitter. Criteria: Ambry Variant Classification Scheme 2023. Collection method: clinical testing. Allele origin: germline.
Comment: The p.S263R variant (also known as c.787A>C), located in coding exon 7 of the LRRK2 gene, results from an A to C substitution at nucleotide position 787. The serine at codon 263 is replaced by arginine, an amino acid with dissimilar properties. This amino acid position is conserved. In addition, this alteration is predicted to be tolerated by in silico analysis. Since supporting evidence is limited at this time, the clinical significance of this alteration remains unclear.

NM_198578.4(LRRK2):c.787A>C (p.Ser263Arg)

Gene: LRRK2 (leucine rich repeat kinase 2; plus strand). Cytogenetic location: 12q12.
Variant type: single nucleotide variant.
Coding change: c.787A>C on transcript NM_198578.4 (MANE Select); coding-DNA position 787, A replaced by C.
Protein change: p.Ser263Arg; replaces serine 263 with arginine.
Molecular consequence: missense variant.
Genome position (GRCh38, 1-based): chr12:40,243,630, A>C. VCF-style: chr12-40243630-A-C. GRCh37 (hg19) VCF-style: chr12-40637432-A-C.
Other names: short protein forms S263R.
Identifiers: ClinVar variation 1760983 (VCV001760983.2), dbSNP rs2499456043, ClinGen allele CA384405949.